The following is an entry in ClinVar:

ClinVar aggregate classification (germline): Likely pathogenic. Review status: reviewed by expert panel (3 of 4 stars). 14 submissions from 14 submitters: Likely pathogenic (1). 13 of the submissions do not count toward it. Last evaluated 2025-12-31.

Conditions:
Very long chain acyl-CoA dehydrogenase deficiency (ACADVLD). Also called: VLCAD Deficiency; Very Long-Chain Acyl-Coenzyme A Dehydrogenase Deficiency. Identifiers: Orphanet 26793, MedGen C3887523, MONDO:0008723, OMIM 201475.
ACADVL-related disorder. Also called: ACADVL-related condition.

Allele frequency attached by ClinVar (database versions not stated): gnomAD 0.00004; gnomAD exomes 0.00004; ExAC 0.00003; TOPMed 0.00006.
gnomAD v4.1: 41 of 1,613,894 alleles (0.0025%); highest among the groups gnomAD compares: Admixed American, 0.015%; no homozygotes.

Submissions 1 to 7 of 14:

ClinGen ACADVL Variant Curation Expert Panel, ClinGen
Classification: Likely pathogenic for Very long chain acyl-CoA dehydrogenase deficiency. Last evaluated: 2025-12-31. Review status: reviewed by expert panel. Criteria: clingen acadvl acmg specifications v1. Collection method: curation. Allele origin: germline. Inheritance: Autosomal recessive inheritance.
Comment: The c.1153C>T (NM_000018.4) variant in ACADVL is a missense variant predicted to cause substitution of arginine by tryptophan at amino acid (p.385). The highest population minor allele frequency in gnomAD v4.1 is 0.00015 in the Admixed American population, which is lower than the ClinGen ACADVL Variant Curation Expert Panel threshold (<0.001) for PM2_Supporting, meeting this criterion (PM2_Supporting). The computational predictor REVEL gives a score of 0.91, which is above the threshold of 0.75, evidence that correlates with impact to ACADVL function (PP3). This variant has been detected in at least 6 individuals with very long chain acyl CoA dehydrogenase (VLCAD) deficiency. Of those individuals, 2 were compound heterozygous for the variant and distinct pathogenic or likely pathogenic variant and 1 of those were confirmed in trans by parental/family testing, other methods. No individuals were homozygous for the variant (PM3 points: 1.25) (PMID: 33150772, 28755359, 32655480, 15210884, 25655073, 16488171) (PM3). Four patients compound heterozygous for the variant and distinct pathogenic or likely pathogenic variant displayed increased C14:1 Levels (PMID: 25655073), or reduced enzyme levels to 0.69 C16/C8 (PMID: 15210884), below detection rate (PMID: 28755359), and 19.3% (PMID: 33150772) respectively, which is highly specific for VLCAD deficiency (PP4_Moderate). In summary, this variant meets the criteria to be classified as likely pathogenic for autosomal recessive very long chain acyl-CoA dehydrogenase (VLCAD) deficiency based on the ACMG/AMP criteria applied, as specified by the ClinGen ACADVL Variant Curation Expert Panel: PM3 _Moderate, PP4_Moderate, PM2_Supporting, PP3. (ACADVL VCEP Specifications Version 1; Approved November 8, 2021)

Labcorp Genetics (formerly Invitae), Labcorp
Classification: Pathogenic for Very long chain acyl-CoA dehydrogenase deficiency. Last evaluated: 2026-01-28. Review status: criteria provided, single submitter. Criteria: Invitae Variant Classification Sherloc (09022015). Collection method: clinical testing. Allele origin: germline. Not counted in ClinVar's aggregate classification.
Comment: This sequence change replaces arginine, which is basic and polar, with tryptophan, which is neutral and slightly polar, at codon 385 of the ACADVL protein (p.Arg385Trp). This variant is present in population databases (rs745832866, gnomAD 0.02%). This missense change has been observed in individual(s) with very long-chain acyl-CoA dehydrogenase deficiency (PMID: 23798014, 25655073, 28755359, 32655480). This variant is also known as R345W. ClinVar contains an entry for this variant (Variation ID: 193786). Invitae Evidence Modeling of protein sequence and biophysical properties (such as structural, functional, and spatial information, amino acid conservation, physicochemical variation, residue mobility, and thermodynamic stability) indicates that this missense variant is not expected to disrupt ACADVL protein function with a negative predictive value of 80%. Experimental studies have shown that this missense change affects ACADVL function (PMID: 15210884). For these reasons, this variant has been classified as Pathogenic.

Natera, Inc.
Classification: Pathogenic for Very long chain acyl-CoA dehydrogenase deficiency. Last evaluated: 2025-07-31. Review status: criteria provided, single submitter. Criteria: Natera Variant Classification Schema (03/2026). Collection method: clinical testing. Allele origin: germline. Not counted in ClinVar's aggregate classification.
Comment: The c.1153C>T variant in ACADVL is a missense variant predicted to cause substitution of arginine to tryptophan at amino acid 385. This variant is rare in the general population with a frequency below the threshold expected for the associated phenotype(s). This variant has been observed in one or more individuals affected with the associated recessive disease, as either homozygous or compound heterozygous with a second variant (PMID: 35400565). Computational prediction algorithms indicate this variant is likely to affect gene or protein function. Given the available evidence, this variant is classified as Pathogenic.

ARUP Laboratories, Molecular Genetics and Genomics, ARUP Laboratories
Classification: Pathogenic for Very long chain acyl-CoA dehydrogenase deficiency. Last evaluated: 2024-07-10. Review status: criteria provided, single submitter. Criteria: ARUP Molecular Germline Variant Investigation Process 2024. Collection method: clinical testing. Allele origin: germline. Not counted in ClinVar's aggregate classification.
Comment: The ACADVL c.1153C>T; p.Arg385Trp variant (rs745832866; ClinVar ID: 193786), also reported as Arg345Trp, has been described in multiple individuals in association with very long-chain acyl-CoA dehydrogenase deficiency, often in trans to a second pathogenic variant (Boneh 2006, Chen 2020, Merinero 2018, Musumeci 2020, Ohashi 2004, Yamamoto 2015). The p.Arg385Trp variant is observed at a low overall frequency of 0.004% (10/251484 alleles) in the Genome Aggregation Database (v2.1.1). Computational analyses predict that this variant is deleterious (REVEL: 0.909). Consistent with predictions, functional analyses of the variant protein demonstrate a reduction in enzymatic activity compared to wildtype protein (Ohashi 2004, Chen 2020). Based on available information, this variant is considered pathogenic. REFERENCES Boneh A et al. VLCAD deficiency: pitfalls in newborn screening and confirmation of diagnosis by mutation analysis. Mol. Genet. Metab. 2006; 88(2): 166-170. PMID: 1648817. Chen T et al. Novel ACADVL variants resulting in mitochondrial defects in long-chain acyl-CoA dehydrogenase deficiency. J Zhejiang Univ Sci B. 2020 Nov.;21(11):885-896. PMID: 33150772. Merinero B et al. Four Years' Experience in the Diagnosis of Very Long-Chain Acyl-CoA Dehydrogenase Deficiency in Infants Detected in Three Spanish Newborn Screening Centers. JIMD Rep. 2018;39:63-74. PMID: 28755359. Musumeci O et al. A Family With a Complex Phenotype Caused by Two Different Rare Metabolic Disorders: GLUT1 and Very-Long-Chain Fatty Acid Dehydrogenase (VLCAD) Deficiencies. Front Neurol. 2020 Jun 23;11:514. PMID: 32655480. Ohashi et al. A new diagnostic test for VLCAD deficiency using immunohistochemistry. Neurology. 2004; 62(12): 2209-2213. PMID: 15210884. Yamamoto H et al. Successful management of pregnancy with very-long-chain acyl-coenzyme A dehydrogenase deficiency. J Obstet Gynaecol Res. 2015 Jul;41(7):1126-8. PMID: 25655073.

Fulgent Genetics
Classification: Likely pathogenic for Very long chain acyl-CoA dehydrogenase deficiency. Last evaluated: 2024-04-23. Review status: criteria provided, single submitter. Criteria: ACMG Guidelines, 2015. Collection method: clinical testing. Allele origin: germline. Not counted in ClinVar's aggregate classification.

Baylor Genetics
Classification: Pathogenic for Very long chain acyl-CoA dehydrogenase deficiency. Last evaluated: 2024-03-19. Review status: criteria provided, single submitter. Criteria: ACMG Guidelines, 2015. Collection method: clinical testing. Allele origin: unknown. Not counted in ClinVar's aggregate classification.

Women's Health and Genetics/Laboratory Corporation of America, LabCorp
Classification: Pathogenic for Very long chain acyl-CoA dehydrogenase deficiency. Last evaluated: 2021-12-06. Review status: criteria provided, single submitter. Criteria: LabCorp Variant Classification Summary - May 2015. Collection method: clinical testing. Allele origin: germline. Not counted in ClinVar's aggregate classification.
Comment: Variant summary: ACADVL c.1153C>T (p.Arg385Trp) results in a non-conservative amino acid change located in the Acyl-CoA dehydrogenase/oxidase C-terminal domain (IPR009075) of the encoded protein sequence. Five of five in-silico tools predict a damaging effect of the variant on protein function. The variant allele was found at a frequency of 4e-05 in 251484 control chromosomes. This frequency is not significantly higher than expected for a pathogenic variant in ACADVL causing Very Long Chain Acyl-CoA Dehydrogenase Deficiency (4e-05 vs 0.0029), allowing no conclusion about variant significance. c.1153C>T has been reported in the literature as a compound heterozygous genotype in individuals affected with Very Long Chain Acyl-CoA Dehydrogenase Deficiency (example Ohashi_2004, Merinero_2018, Musumeci_2020, Chen_2020). These data indicate that the variant is likely to be associated with disease. At least one publication reports experimental evidence evaluating an impact on protein function (Ohashi_2004, Chen_2020). The most pronounced variant effect results in a reduction in enzyme activity compared to wild type. Consistently, another recent study utilized this variant as a positive control to demonstrate a barely detectable level of fatty acid oxidation (FAO) activity as determined by overexpression of the recombinant HAtagged mutant proteins in HEK293T cell lines (Chen_2020). Seven clinical diagnostic laboratories have submitted clinical-significance assessments for this variant to ClinVar after 2014 without evidence for independent evaluation. Multiple laboratories reported the variant with conflicting assessments (likely pathogenic/pathogenic, n=4; VUS, n=3). Based on the evidence outlined above, the variant was classified as pathogenic.

NM_000018.4(ACADVL):c.1153C>T (p.Arg385Trp)

Gene: ACADVL (acyl-CoA dehydrogenase very long chain; plus strand). Cytogenetic location: 17p13.1.
Variant type: single nucleotide variant.
Coding change: c.1153C>T on transcript NM_000018.4 (MANE Select); coding-DNA position 1153, C replaced by T.
Protein change: p.Arg385Trp; replaces arginine 385 with tryptophan.
Molecular consequence: missense variant.
Genome position (GRCh38, 1-based): chr17:7,223,208, C>T. VCF-style: chr17-7223208-C-T. GRCh37 (hg19) VCF-style: chr17-7126527-C-T.
Other names: NM_000018.4(ACADVL):c.1153C>T; p.Arg385Trp; c.1087C>T, p.Arg363Trp (NM_001033859.3); c.1222C>T, p.Arg408Trp (NM_001270447.2); c.925C>T, p.Arg309Trp (NM_001270448.2); short protein forms R385W, R309W, R408W, R363W.
Identifiers: ClinVar variation 193786 (VCV000193786.38), dbSNP rs745832866, ClinGen allele CA239438.